The following is an entry in ClinVar:

ClinVar aggregate classification (germline): Pathogenic (3 of 4 stars; one submission).

Conditions:
Breast-ovarian cancer, familial, susceptibility to, 1 (BROVCA1). Also called: BRCA1 Hereditary Breast and Ovarian Cancer; OVARIAN CANCER, SUSCEPTIBILITY TO. Identifiers: Orphanet 145, MedGen C2676676, MONDO:0011450, OMIM 604370. Disease mechanism: loss of function.

Submission:

Evidence-based Network for the Interpretation of Germline Mutant Alleles (ENIGMA)
Classification: Pathogenic for Breast-ovarian cancer, familial, susceptibility to, 1. Last evaluated: 2017-12-15. Review status: reviewed by expert panel. Criteria: ENIGMA BRCA1/2 Classification Criteria (2017-06-29). Collection method: curation. Allele origin: germline. Study: ENIGMA.
Comment: Variant allele predicted to encode a truncated non-functional protein.

NM_007294.4(BRCA1):c.2650_2651insGGCA (p.Thr884fs)

Gene: BRCA1 (BRCA1 DNA repair associated; minus strand). Cytogenetic location: 17q21.31.
Variant type: Insertion.
Coding change: c.2650_2651insGGCA on transcript NM_007294.4 (MANE Select); coding-DNA positions 2650 to 2651, GGCA inserted.
Protein change: p.Thr884fs; shifts the reading frame from threonine 884.
Molecular consequence: frameshift variant. On other transcripts: intron variant (137).
Genome position: GRCh38 VCF-style: chr17-43092880-G-GTGCC. GRCh37 (hg19) VCF-style: chr17-41244897-G-GTGCC.
Other names: c.2650_2651insGGCA, p.Thr884fs (NM_007294.3, NM_001407854.1, NM_001407858.1 and 31 more transcripts); c.2506_2507insGGCA, p.Thr836fs (NM_001407838.1, NM_001407839.1, NM_001407841.1 and 20 more transcripts); c.2509_2510insGGCA, p.Thr837fs (NM_001407850.1, NM_001407851.1, NM_001407852.1 and 29 more transcripts); c.2437_2438insGGCA, p.Thr813fs (NM_001407853.1, NM_001407894.1, NM_001407895.1 and 9 more transcripts); c.2647_2648insGGCA, p.Thr883fs (NM_001407860.1, NM_001407861.1, NM_001407587.1 and 22 more transcripts); c.2449_2450insGGCA, p.Thr817fs (NM_001407862.1); c.2527_2528insGGCA, p.Thr843fs (NM_001407863.1, NM_001407919.1, NM_001407937.1 and 19 more transcripts); c.2446_2447insGGCA, p.Thr816fs (NM_001407874.1, NM_001407875.1); and 41 more; short protein forms T884fs, T837fs, T814fs, T588fs, T716fs, T757fs, T773fs, T795fs.
Identifiers: ClinVar variation 548262 (VCV000548262.2), dbSNP rs1555589228, ClinGen allele CA658823997.